The following is an entry in ClinVar:

ClinVar aggregate classification (germline): Uncertain significance (1 of 4 stars; one submission).

Allele frequency attached by ClinVar (database versions not stated): gnomAD 0.00001; TOPMed 0.00001.
gnomAD v4.1: 1 of 1,613,228 alleles (0.000062%); highest among the groups gnomAD compares: Admixed American, 0.0017%; no homozygotes.

Submission:

GeneDx
Classification: Uncertain significance. Last evaluated: 2023-08-21. Review status: criteria provided, single submitter. Criteria: GeneDx Variant Classification Process June 2021. Collection method: clinical testing. Allele origin: germline. Affected: yes.
Comment: Not observed at significant frequency in large population cohorts (gnomAD); In silico analysis supports that this missense variant has a deleterious effect on protein structure/function; Has not been previously published as pathogenic or benign to our knowledge

NM_001330078.2(NRXN1):c.3457G>A (p.Ala1153Thr)

Gene: NRXN1 (neurexin 1; minus strand). Cytogenetic location: 2p16.3.
Variant type: single nucleotide variant.
Coding change: c.3457G>A on transcript NM_001330078.2 (MANE Select); coding-DNA position 3457, G replaced by A.
Protein change: p.Ala1153Thr; replaces alanine 1153 with threonine.
Molecular consequence: missense variant.
Genome position (GRCh38, 1-based): chr2:50,236,878, C>T on the plus strand (G>A on the coding strand, the complement: NRXN1 is on the minus strand). VCF-style: chr2-50236878-C-T. GRCh37 (hg19) VCF-style: chr2-50464016-C-T.
Other names: c.3577G>A, p.Ala1193Thr (NM_001135659.3); c.3433G>A, p.Ala1145Thr (NM_001330077.2, NM_001330082.2); c.3391G>A, p.Ala1131Thr (NM_001330083.2, NM_001330084.2); c.3430G>A, p.Ala1144Thr (NM_001330085.2); c.3457G>A, p.Ala1153Thr (NM_001330086.2, NM_004801.6); c.3346G>A, p.Ala1116Thr (NM_001330087.2, NM_001330096.2); c.3376G>A, p.Ala1126Thr (NM_001330088.2); c.352G>A, p.Ala118Thr (NM_001330091.2, NM_001330092.2, NM_001330097.2 and 1 more transcripts); and 3 more; short protein forms A1116T, A1126T, A1131T, A1136T, A1144T, A1145T, A1149T, A1152T.
Identifiers: ClinVar variation 1190189 (VCV001190189.4), dbSNP rs2065487224, ClinGen allele CA346820959.